The following is an entry in ClinVar:

NC_000009.12:g.69037287_69037304GAA[120]

Genes: FXN (frataxin; plus strand), LOC108510657 (Friedreich ataxia repeat instability region; plus strand). Cytogenetic location: 9q21.11.
Variant type: Variation.
Identifiers: ClinVar variation 4072409 (VCV004072409.1).

ClinVar aggregate classification (germline): Pathogenic (0 of 4 stars; one submission).

Conditions:
Friedreich ataxia 1 (FRDA1). Identifiers: Orphanet 95, MedGen C1856689, MONDO:0100340, OMIM 229300.

Submission:

Department of Diabetology, Dr. Suresh's Diabcare India Diabetes Center
Classification: Pathogenic for Friedreich ataxia 1. Last evaluated: 2022-01-18. Review status: no assertion criteria provided. Collection method: provider interpretation. Allele origin: inherited. Inheritance: Autosomal recessive inheritance. Affected: yes. Observed: 1 homozygote.
Comment: This variant is classified as Pathogenic based on extensive and well-established evidence that expansions of the GAA trinucleotide repeat in intron 1 of the FXN gene cause Friedreich ataxia (OMIM #229300). The pathogenic threshold is widely accepted to be more than 66 repeats. The classification follows ACMG/AMP guidelines for repeat expansions and is supported by multiple lines of evidence: The expanded GAA repeats disrupt FXN gene transcription leading to reduced frataxin levels, as described by Bidichandani et al., 1998 (PMID: 9443873). The original identification of intronic GAA expansions causing Friedreich ataxia was reported by Campuzano et al., 1996 (PMID: 8596916). More recent studies have elucidated the mechanisms and clinical impact of repeat instability and variability, such as: Neil AJ et al., 2021 (PMID: 33495349) on replication-independent GAA repeat instability, contributing to somatic mosaicism. Rastokina et al., 2023 (PMID: 37216608) demonstrated large-scale GAA repeat expansions in an experimental human cell system and explored mechanistic roles of DNA replication and therapeutic inhibition. Together, these findings reinforce the pathogenicity of large GAA expansions and inform clinical interpretation. This detailed rationale promotes transparency and supports variant classification for clinical and research use.

Literature cited by the submitters: PubMed 9443873; PubMed 8596916; PubMed 33495349; PubMed 37216608.